The following is an entry in ClinVar:

ClinVar aggregate classification (germline): Benign/Likely benign. Review status: criteria provided, multiple submitters, no conflicts (2 of 4 stars). 2 submissions from 2 submitters: Benign (1); Likely benign (1). Last evaluated 2019-06-01.

Conditions:
Ataxia, early-onset, with oculomotor apraxia and hypoalbuminemia (EAOH). Also called: Ataxia-oculomotor apraxia type 1; ATAXIA-OCULOMOTOR APRAXIA SYNDROME; ATAXIA-TELANGIECTASIA-LIKE SYNDROME. Identifiers: Orphanet 1168, MedGen C1859598, MONDO:0008842, OMIM 208920.

Allele frequency attached by ClinVar (database versions not stated): gnomAD exomes 0.00112; ExAC 0.00115; gnomAD 0.00551 and 0.00570; TOPMed 0.00570; 1000 Genomes Project 0.00819; 1000 Genomes Project 30x 0.00906.
gnomAD v4.1: 1,302 of 743,666 alleles (0.18%); highest among the groups gnomAD compares: African/African-American, 2%; 10 homozygotes.

Submissions (2):

GeneDx
Classification: Likely benign. Last evaluated: 2019-06-01. Review status: criteria provided, single submitter. Criteria: GeneDx Variant Classification Process June 2021. Collection method: clinical testing. Allele origin: germline. Affected: yes.

Illumina Laboratory Services, Illumina
Classification: Benign for Ataxia, early-onset, with oculomotor apraxia and hypoalbuminemia. Last evaluated: 2018-01-12. Review status: criteria provided, single submitter. Criteria: ICSL Variant Classification Criteria 13 December 2019. Collection method: clinical testing. Allele origin: germline.
Comment: This variant was observed in the ICSL laboratory as part of a predisposition screen in an ostensibly healthy population. It had not been previously curated by ICSL or reported in the Human Gene Mutation Database (HGMD: prior to June 1st, 2018), and was therefore a candidate for classification through an automated scoring system. Utilizing variant allele frequency, disease prevalence and penetrance estimates, and inheritance mode, an automated score was calculated to assess if this variant is too frequent to cause the disease. Based on the score and internal cut-off values, a variant classified as benign is not then subjected to further curation. The score for this variant resulted in a classification of benign for this disease.

NM_001195248.2(APTX):c.*187G>C

Gene: APTX (aprataxin; minus strand). Cytogenetic location: 9p21.1.
Variant type: single nucleotide variant.
Coding change: c.*187G>C on transcript NM_001195248.2 (MANE Select); 187 bases downstream of the stop codon, G replaced by C.
Molecular consequence: 3 prime UTR variant. On other transcripts: non-coding transcript variant (13).
Genome position (GRCh38, 1-based): chr9:32,973,311, C>G on the plus strand (G>C on the coding strand, the complement: APTX is on the minus strand). VCF-style: chr9-32973311-C-G. GRCh37 (hg19) VCF-style: chr9-32973309-C-G.
Other names: c.*187G>C (NM_001195249.2, NM_001195250.2, NM_001195252.2 and 15 more transcripts); c.*373G>C (NM_001195251.2, NM_001368999.1, NM_001369006.1 and 1 more transcripts).
Identifiers: ClinVar variation 366588 (VCV000366588.8), dbSNP rs113638548, ClinGen allele CA5022208.